The following is an entry in ClinVar:

NM_004373.4(COX6A1):c.198C>G (p.His66Gln)

Gene: COX6A1 (cytochrome c oxidase subunit 6A1; plus strand). Cytogenetic location: 12q24.31.
Variant type: single nucleotide variant.
Coding change: c.198C>G on transcript NM_004373.4 (MANE Select); coding-DNA position 198, C replaced by G.
Protein change: p.His66Gln; replaces histidine 66 with glutamine.
Molecular consequence: missense variant.
Genome position (GRCh38, 1-based): chr12:120,438,473, C>G. VCF-style: chr12-120438473-C-G. GRCh37 (hg19) VCF-style: chr12-120876276-C-G.
Other names: short protein forms H66Q.
Identifiers: ClinVar variation 4985214 (VCV004985214.1).

ClinVar aggregate classification (germline): Uncertain significance (1 of 4 stars; one submission).

Conditions:
COX6A1-related disorder. Also called: COX6A1-related condition.

gnomAD v4.1: 3 of 1,614,140 alleles (0.00019%); highest among the groups gnomAD compares: Admixed American, 0.0017%; no homozygotes.

Submission:

PreventionGenetics, part of Exact Sciences
Classification: Uncertain significance for COX6A1-related condition. Last evaluated: 2025-02-28. Review status: criteria provided, single submitter. Criteria: ACMG Guidelines, 2015. Collection method: clinical testing. Allele origin: germline.
Comment: The COX6A1 c.198C>G variant is predicted to result in the amino acid substitution p.His66Gln. To our knowledge, this variant has not been reported in the literature. This variant is reported in 0.0029% of alleles in individuals of Latino descent in gnomAD. At this time, the clinical significance of this variant is uncertain due to the absence of conclusive functional and genetic evidence.